The following is an entry in ClinVar:

NM_001354712.2(THRB):c.*3929G>A

Gene: THRB (thyroid hormone receptor beta; minus strand). Cytogenetic location: 3p24.2.
Variant type: single nucleotide variant.
Coding change: c.*3929G>A on transcript NM_001354712.2 (MANE Select); 3929 bases downstream of the stop codon, G replaced by A.
Molecular consequence: 3 prime UTR variant.
Genome position (GRCh38, 1-based): chr3:24,118,955, C>T on the plus strand (G>A on the coding strand, the complement: THRB is on the minus strand). VCF-style: chr3-24118955-C-T. GRCh37 (hg19) VCF-style: chr3-24160446-C-T.
Other names: c.*3929G>A (NM_000461.5, NM_001128176.3, NM_001128177.2 and 8 more transcripts).
Identifiers: ClinVar variation 344562 (VCV000344562.5), dbSNP rs549973481, ClinGen allele CA10616017.

ClinVar aggregate classification (germline): Benign (1 of 4 stars; one submission).

Conditions:
Thyroid hormone resistance, generalized, autosomal dominant (GRTHD). Also called: HYPERTHYROXINEMIA, FAMILIAL EUTHYROID, SECONDARY TO PITUITARY AND PERIPHERAL RESISTANCE TO THYROID HORMONES. Identifiers: MedGen C2937288, MONDO:0008569, OMIM 188570.

Allele frequency attached by ClinVar (database versions not stated): 1000 Genomes Project 0.00040; 1000 Genomes Project 30x 0.00078; gnomAD exomes 0.00250; TOPMed 0.00420; gnomAD 0.00480 and 0.00508.
gnomAD v4.1: 621 of 129,544 alleles (0.48%); highest among the groups gnomAD compares: Non-Finnish European, 0.88%; no homozygotes.

Submission:

Illumina Laboratory Services, Illumina
Classification: Benign for Thyroid hormone resistance, generalized, autosomal dominant. Last evaluated: 2018-01-12. Review status: criteria provided, single submitter. Criteria: ICSL Variant Classification Criteria 13 December 2019. Collection method: clinical testing. Allele origin: germline.
Comment: This variant was observed in the ICSL laboratory as part of a predisposition screen in an ostensibly healthy population. It had not been previously curated by ICSL or reported in the Human Gene Mutation Database (HGMD: prior to June 1st, 2018), and was therefore a candidate for classification through an automated scoring system. Utilizing variant allele frequency, disease prevalence and penetrance estimates, and inheritance mode, an automated score was calculated to assess if this variant is too frequent to cause the disease. Based on the score and internal cut-off values, a variant classified as benign is not then subjected to further curation. The score for this variant resulted in a classification of benign for this disease.